The following is an entry in ClinVar:

NM_206933.4(USH2A):c.15208G>T (p.Glu5070Ter)

Gene: USH2A (usherin; minus strand). Cytogenetic location: 1q41.
Variant type: single nucleotide variant.
Coding change: c.15208G>T on transcript NM_206933.4 (MANE Select); coding-DNA position 15208, G replaced by T.
Protein change: p.Glu5070Ter; replaces glutamic acid 5070 with a stop codon.
Molecular consequence: nonsense.
Genome position (GRCh38, 1-based): chr1:215,634,548, C>A on the plus strand (G>T on the coding strand, the complement: USH2A is on the minus strand). VCF-style: chr1-215634548-C-A. GRCh37 (hg19) VCF-style: chr1-215807890-C-A.
Other names: short protein forms E5070*.
Identifiers: ClinVar variation 1073006 (VCV001073006.8), dbSNP rs1426135314, ClinGen allele CA344823714.

ClinVar aggregate classification (germline): Pathogenic. Review status: criteria provided, single submitter (1 of 4 stars). 2 submissions from 2 submitters: Pathogenic (1). 1 of the submissions does not count toward it. Last evaluated 2021-10-27.

Conditions:
Usher syndrome type 2A. Also called: USHER SYNDROME, TYPE IIA; RETINAL DISEASE IN USHER SYNDROME TYPE IIA, MODIFIER OF. Identifiers: Orphanet 231178, Orphanet 886, MedGen C1848634, MONDO:0010169, OMIM 276901.

Allele frequency attached by ClinVar (database versions not stated): gnomAD exomes below 0.00001.
gnomAD v4.1: 1 of 1,614,178 alleles (0.000062%); highest among the groups gnomAD compares: Non-Finnish European, 0.000085%; no homozygotes.

Submissions (2):

Labcorp Genetics (formerly Invitae), Labcorp
Classification: Pathogenic. Last evaluated: 2021-10-27. Review status: criteria provided, single submitter. Criteria: Invitae Variant Classification Sherloc (09022015). Collection method: clinical testing. Allele origin: germline.
Comment: ClinVar contains an entry for this variant (Variation ID: 1073006). For these reasons, this variant has been classified as Pathogenic. This premature translational stop signal has been observed in individual(s) with Usher syndrome (PMID: 29142287). This sequence change creates a premature translational stop signal (p.Glu5070*) in the USH2A gene. It is expected to result in an absent or disrupted protein product. Loss-of-function variants in USH2A are known to be pathogenic (PMID: 10729113, 10909849, 20507924, 25649381). This variant is present in population databases (no rsID available, gnomAD 0.0009%).

Natera, Inc.
Classification: Pathogenic for Usher syndrome type 2A. Last evaluated: 2021-08-23. Review status: no assertion criteria provided. Collection method: clinical testing. Allele origin: germline. Not counted in ClinVar's aggregate classification.

Literature cited by the submitters: PubMed 29142287 (cited by Labcorp Genetics (formerly Invitae), Labcorp); PubMed 10729113 (cited by Labcorp Genetics (formerly Invitae), Labcorp); PubMed 10909849 (cited by Labcorp Genetics (formerly Invitae), Labcorp); PubMed 20507924 (cited by Labcorp Genetics (formerly Invitae), Labcorp); PubMed 25649381 (cited by Labcorp Genetics (formerly Invitae), Labcorp).